The following is an entry in ClinVar:

NM_198510.3(ITIH6):c.854T>C (p.Val285Ala)

Gene: ITIH6 (inter-alpha-trypsin inhibitor heavy chain family member 6; minus strand). Cytogenetic location: Xp11.22.
Variant type: single nucleotide variant.
Coding change: c.854T>C on transcript NM_198510.3 (MANE Select); coding-DNA position 854, T replaced by C.
Protein change: p.Val285Ala; replaces valine 285 with alanine.
Molecular consequence: missense variant.
Genome position (GRCh38, 1-based): chrX:54,774,130, A>G on the plus strand (T>C on the coding strand, the complement: ITIH6 is on the minus strand). VCF-style: chrX-54774130-A-G. GRCh37 (hg19) VCF-style: chrX-54800563-A-G.
Other names: short protein forms V285A.
Identifiers: ClinVar variation 2633942 (VCV002633942.2), dbSNP rs199528045, ClinGen allele CA328969057.

ClinVar aggregate classification (germline): Uncertain significance. Review status: criteria provided, multiple submitters, no conflicts (2 of 4 stars). 2 submissions from 2 submitters: Uncertain significance (2). Last evaluated 2026-07-03.

Conditions:
ITIH6-related disorder. Also called: ITIH6-related condition.

Allele frequency attached by ClinVar (database versions not stated): TOPMed below 0.00001; gnomAD exomes below 0.00001.
gnomAD v4.1: 3 of 1,196,787 alleles (0.00025%); highest among the groups gnomAD compares: Non-Finnish European, 0.00034%; no homozygotes.

Submissions (2):

Ambry Genetics
Classification: Uncertain significance. Last evaluated: 2026-07-03. Review status: criteria provided, single submitter. Criteria: Ambry Variant Classification Scheme 2023. Collection method: clinical testing. Allele origin: germline.

PreventionGenetics, part of Exact Sciences
Classification: Uncertain significance for ITIH6-related condition. Last evaluated: 2023-10-01. Review status: criteria provided, single submitter. Criteria: ACMG Guidelines, 2015. Collection method: clinical testing. Allele origin: germline.
Comment: The ITIH6 c.854T>C variant is predicted to result in the amino acid substitution p.Val285Ala. To our knowledge, this variant has not been reported in the literature or in a large population database, indicating this variant is rare. At this time, the clinical significance of this variant is uncertain due to the absence of conclusive functional and genetic evidence.